The following is an entry in ClinVar:

NM_001374828.1(ARID1B):c.1620GGCGGCGGCGGG[3] (p.Gly548_Gly549insAlaAlaAlaGly)

Gene: ARID1B (AT-rich interaction domain 1B; plus strand). Cytogenetic location: 6q25.3.
Variant type: Microsatellite.
Coding change: c.1620GGCGGCGGCGGG[3] on transcript NM_001374828.1 (MANE Select); three copies in a row of the 12-base unit GGCGGCGGCGGG starting at c.1620; the reference has two copies in a row; one copy, 12 bases duplicated.
Protein change: p.Gly548_Gly549insAlaAlaAlaGly.
Molecular consequence: inframe insertion. On other transcripts: inframe indel (1).
Genome position (GRCh38, 1-based): chr6:156,779,312-156,779,323, GGCGGCGGCGGG duplicated; duplicating any 12 consecutive bases within chr6:156,779,300-156,779,323 gives the same sequence; the position shown is the placement nearest the transcript's 3' end. VCF-style (leftmost placement, unchanged base first): chr6-156779299-C-CGGCGGCGGCGGG. GRCh37 (hg19) VCF-style: chr6-157100433-C-CGGCGGCGGCGGG.
Other names: c.1383_1394dupGGCGGCGGCGGG (NM_020732.3); c.1620GGCGGCGGCGGG[3], p.Gly548_Gly549insAlaAlaAlaGly (NM_001371656.1, NM_001374820.1, NM_017519.3).
Identifiers: ClinVar variation 1771325 (VCV001771325.9), dbSNP rs1239601972, ClinGen allele CA571907164.

ClinVar aggregate classification (germline): Conflicting classifications of pathogenicity. Review status: criteria provided, conflicting classifications (1 of 4 stars). 3 submissions from 3 submitters: Uncertain significance (1); Likely benign (2). Last evaluated 2025-12-06.

Conditions:
Inborn genetic diseases. Identifiers: MedGen C0950123, MeSH D030342.

Submissions (3):

Labcorp Genetics (formerly Invitae), Labcorp
Classification: Uncertain significance. Last evaluated: 2025-12-06. Review status: criteria provided, single submitter. Criteria: Invitae Variant Classification Sherloc (09022015). Collection method: clinical testing. Allele origin: germline.
Comment: This variant, c.1383_1394dup, results in the insertion of 4 amino acid(s) of the ARID1B protein (p.Ala462_Gly465dup), but otherwise preserves the integrity of the reading frame. The frequency data for this variant in the population databases is considered unreliable, as metrics indicate poor data quality at this position in the gnomAD database. This variant has not been reported in the literature in individuals affected with ARID1B-related conditions. This variant has been observed in at least one individual who was not affected with ARID1B-related conditions (internal data). In summary, the available evidence is currently insufficient to determine the role of this variant in disease. Therefore, it has been classified as a Variant of Uncertain Significance.

Blueprint Genetics
Classification: Likely benign. Last evaluated: 2023-12-28. Review status: criteria provided, single submitter. Criteria: ACMG Guidelines, 2015. Collection method: clinical testing. Allele origin: germline.

Ambry Genetics
Classification: Likely benign for Inborn genetic diseases. Last evaluated: 2019-05-21. Review status: criteria provided, single submitter. Criteria: Ambry Variant Classification Scheme 2023. Collection method: clinical testing. Allele origin: germline.